The following is an entry in ClinVar:

ClinVar aggregate classification (germline): Uncertain significance (1 of 4 stars; one submission).

Conditions:
Hereditary cancer-predisposing syndrome. Also called: Neoplastic Syndromes, Hereditary; Tumor predisposition; Hereditary Cancer Syndrome; Hereditary neoplastic syndrome. Identifiers: Orphanet 140162, MedGen C0027672, MeSH D009386, MONDO:0015356.

gnomAD v4.1: 1 of 1,614,140 alleles (0.000062%); highest among the groups gnomAD compares: Non-Finnish European, 0.000085%; no homozygotes.

Submission:

Ambry Genetics
Classification: Uncertain significance for Hereditary cancer-predisposing syndrome. Last evaluated: 2026-05-22. Review status: criteria provided, single submitter. Criteria: Ambry Variant Classification Scheme 2023. Collection method: clinical testing. Allele origin: germline.
Comment: The p.W167G variant (also known as c.499T>G), located in coding exon 5 of the TSC2 gene, results from a T to G substitution at nucleotide position 499. The tryptophan at codon 167 is replaced by glycine, an amino acid with highly dissimilar properties. This amino acid position is conserved. In addition, this alteration is predicted to be deleterious by in silico analysis. Based on the available evidence, the clinical significance of this variant remains unclear.

NM_000548.5(TSC2):c.499T>G (p.Trp167Gly)

Gene: TSC2 (TSC complex subunit 2; plus strand). Cytogenetic location: 16p13.3.
Variant type: single nucleotide variant.
Coding change: c.499T>G on transcript NM_000548.5 (MANE Select); coding-DNA position 499, T replaced by G.
Protein change: p.Trp167Gly; replaces tryptophan 167 with glycine.
Molecular consequence: missense variant. On other transcripts: 5 prime UTR variant (13), non-coding transcript variant (5), intron variant (6).
Genome position (GRCh38, 1-based): chr16:2,055,419, T>G. VCF-style: chr16-2055419-T-G. GRCh37 (hg19) VCF-style: chr16-2105420-T-G.
Other names: c.499T>G, p.Trp167Gly (NM_001077183.3, NM_001114382.3, NM_001363528.2 and 8 more transcripts); c.388T>G, p.Trp130Gly (NM_001318827.2, NM_001406670.1, NM_001406678.1); c.352T>G, p.Trp118Gly (NM_001318829.2, NM_001406675.1, NM_001406676.1 and 1 more transcripts); c.532T>G, p.Trp178Gly (NM_001318832.2); c.589T>G, p.Trp197Gly (NM_001406667.1, NM_001406668.1); c.442T>G, p.Trp148Gly (NM_001406677.1); c.-318T>G (NM_001406680.1, NM_001406683.1, NM_001406687.1); c.37T>G, p.Trp13Gly (NM_001406681.1); and 6 more; short protein forms W118G, W130G, W13G, W148G, W167G, W178G, W197G.
Identifiers: ClinVar variation 4866056 (VCV004866056.1).
Genomic context (GRCh38, chr16:2,055,419, plus strand): 5'-GTAGATTCGGCGTCCTCGCAAACTGCCGCCGCTTCTCCCCCAGCTGACTTTGTCCTGCAG[T>G]GGATGGATGTTGGCTTGTCCTCGGAATTCCTTCTGGTGCTGGTGAACTTGGTCAAATTCA-3'
Protein context (NP_000539.2, residues 157-177): EEELADFVLQ[Trp167Gly]MDVGLSSEFL